The following is an entry in ClinVar:

ClinVar aggregate classification (germline): Uncertain significance. Review status: criteria provided, multiple submitters, no conflicts (2 of 4 stars). 2 submissions from 2 submitters: Uncertain significance (2). Last evaluated 2025-12-22.

Allele frequency attached by ClinVar (database versions not stated): gnomAD exomes 0.00001 and 0.00002; ExAC 0.00002; gnomAD 0.00005 and 0.00007; TOPMed 0.00008; 1000 Genomes Project 0.00060; 1000 Genomes Project 30x 0.00094.
gnomAD v4.1: 27 of 1,613,990 alleles (0.0017%); highest among the groups gnomAD compares: African/African-American, 0.035%; no homozygotes.

Submissions (2):

Labcorp Genetics (formerly Invitae), Labcorp
Classification: Uncertain significance. Last evaluated: 2025-12-22. Review status: criteria provided, single submitter. Criteria: Invitae Variant Classification Sherloc (09022015). Collection method: clinical testing. Allele origin: germline.
Comment: This sequence change replaces glutamic acid, which is acidic and polar, with aspartic acid, which is acidic and polar, at codon 290 of the RELB protein (p.Glu290Asp). This variant is present in population databases (rs574859590, gnomAD 0.03%). This variant has not been reported in the literature in individuals affected with RELB-related conditions. ClinVar contains an entry for this variant (Variation ID: 1469447). An algorithm developed to predict the effect of missense changes on protein structure and function outputs the following: PolyPhen-2: "Benign". The aspartic acid amino acid residue is found in multiple mammalian species, which suggests that this missense change does not adversely affect protein function. In summary, the available evidence is currently insufficient to determine the role of this variant in disease. Therefore, it has been classified as a Variant of Uncertain Significance.

Ambry Genetics
Classification: Uncertain significance. Last evaluated: 2025-11-25. Review status: criteria provided, single submitter. Criteria: Ambry Variant Classification Scheme 2023. Collection method: clinical testing. Allele origin: germline.

NM_006509.4(RELB):c.870G>C (p.Glu290Asp)

Gene: RELB (RELB proto-oncogene, NF-kB subunit; plus strand). Cytogenetic location: 19q13.32.
Variant type: single nucleotide variant.
Coding change: c.870G>C on transcript NM_006509.4 (MANE Select); coding-DNA position 870, G replaced by C.
Protein change: p.Glu290Asp; replaces glutamic acid 290 with aspartic acid.
Molecular consequence: missense variant.
Genome position (GRCh38, 1-based): chr19:45,025,721, G>C. VCF-style: chr19-45025721-G-C. GRCh37 (hg19) VCF-style: chr19-45528979-G-C.
Other names: c.870G>C (NM_006509.3); short protein forms E290D.
Identifiers: ClinVar variation 1469447 (VCV001469447.7), dbSNP rs574859590, ClinGen allele CA9507672.